The following is an entry in ClinVar:

NM_003978.5(PSTPIP1):c.1060C>T (p.Gln354Ter)

Gene: PSTPIP1 (proline-serine-threonine phosphatase interacting protein 1; plus strand). Cytogenetic location: 15q24.3.
Variant type: single nucleotide variant.
Coding change: c.1060C>T on transcript NM_003978.5 (MANE Select); coding-DNA position 1060, C replaced by T.
Protein change: p.Gln354Ter; replaces glutamine 354 with a stop codon.
Molecular consequence: nonsense. On other transcripts: non-coding transcript variant (1).
Genome position (GRCh38, 1-based): chr15:77,035,876, C>T. VCF-style: chr15-77035876-C-T. GRCh37 (hg19) VCF-style: chr15-77328217-C-T.
Other names: c.1003C>T, p.Gln335Ter (NM_001321135.2); c.1033C>T, p.Gln345Ter (NM_001321136.2); c.1255C>T, p.Gln419Ter (NM_001321137.1); c.1051C>T, p.Gln351Ter (NM_001411086.1); short protein forms Q345*, Q354*, Q351*, Q419*, Q335*.
Identifiers: ClinVar variation 2811304 (VCV002811304.3), dbSNP rs1013725363, ClinGen allele CA393521787.

ClinVar aggregate classification (germline): Uncertain significance (1 of 4 stars; one submission).

Conditions:
Pyogenic arthritis-pyoderma gangrenosum-acne syndrome (PAPA). Also called: FAMILIAL RECURRENT ARTHRITIS; PAPA SYNDROME. Identifiers: Orphanet 69126, MedGen C1858361, MONDO:0011462, OMIM 604416.

gnomAD v4.1: 1 of 1,610,664 alleles (0.000062%); highest among the groups gnomAD compares: South Asian, 0.0011%; no homozygotes.

Submission:

Labcorp Genetics (formerly Invitae), Labcorp
Classification: Uncertain significance for Pyogenic arthritis-pyoderma gangrenosum-acne syndrome. Last evaluated: 2023-11-07. Review status: criteria provided, single submitter. Criteria: Invitae Variant Classification Sherloc (09022015). Collection method: clinical testing. Allele origin: germline.
Comment: This sequence change creates a premature translational stop signal (p.Gln354*) in the PSTPIP1 gene. It is expected to result in an absent or disrupted protein product. However, the current clinical and genetic evidence is not sufficient to establish whether loss-of-function variants in PSTPIP1 cause disease. This variant is not present in population databases (gnomAD no frequency). This variant has not been reported in the literature in individuals affected with PSTPIP1-related conditions. Algorithms developed to predict the effect of sequence changes on RNA splicing suggest that this variant may disrupt the consensus splice site. In summary, the available evidence is currently insufficient to determine the role of this variant in disease. Therefore, it has been classified as a Variant of Uncertain Significance.